The following is an entry in ClinVar:

NM_198252.3(GSN):c.1829A>C (p.Lys610Thr)

Gene: GSN (gelsolin; plus strand). Cytogenetic location: 9q33.2.
Variant type: single nucleotide variant.
Coding change: c.1829A>C on transcript NM_198252.3 (MANE Select); coding-DNA position 1829, A replaced by C.
Protein change: p.Lys610Thr; replaces lysine 610 with threonine.
Molecular consequence: missense variant.
Genome position (GRCh38, 1-based): chr9:121,328,957, A>C. VCF-style: chr9-121328957-A-C. GRCh37 (hg19) VCF-style: chr9-124091235-A-C.
Other names: c.1982A>C, p.Lys661Thr (NM_000177.5); c.1829A>C, p.Lys610Thr (NM_001127662.2, NM_001127664.2, NM_001127665.2 and 10 more transcripts); c.1937A>C, p.Lys646Thr (NM_001127663.2); c.1862A>C, p.Lys621Thr (NM_001127666.2, NM_001127667.2, NM_001353065.2 and 13 more transcripts); c.1880A>C, p.Lys627Thr (NM_001258029.2); c.1853A>C, p.Lys618Thr (NM_001258030.2); c.1901A>C, p.Lys634Thr (NM_001353076.2); c.1175A>C, p.Lys392Thr (NM_001353078.2); short protein forms K634T, K618T, K621T, K646T, K392T, K627T, K661T, K610T.
Identifiers: ClinVar variation 3676358 (VCV003676358.2).

ClinVar aggregate classification (germline): Uncertain significance (1 of 4 stars; one submission).

Submission:

Labcorp Genetics (formerly Invitae), Labcorp
Classification: Uncertain significance. Last evaluated: 2025-02-17. Review status: criteria provided, single submitter. Criteria: Invitae Variant Classification Sherloc (09022015). Collection method: clinical testing. Allele origin: germline.
Comment: This sequence change replaces lysine, which is basic and polar, with threonine, which is neutral and polar, at codon 661 of the GSN protein (p.Lys661Thr). This variant is not present in population databases (gnomAD no frequency). This variant has not been reported in the literature in individuals affected with GSN-related conditions. Invitae Evidence Modeling of protein sequence and biophysical properties (such as structural, functional, and spatial information, amino acid conservation, physicochemical variation, residue mobility, and thermodynamic stability) indicates that this missense variant is not expected to disrupt GSN protein function with a negative predictive value of 80%. In summary, the available evidence is currently insufficient to determine the role of this variant in disease. Therefore, it has been classified as a Variant of Uncertain Significance.